The following is an entry in ClinVar:

NM_001038.6(SCNN1A):c.124A>G (p.Thr42Ala)

Gene: SCNN1A (sodium channel epithelial 1 subunit alpha; minus strand). Cytogenetic location: 12p13.31.
Variant type: single nucleotide variant.
Coding change: c.124A>G on transcript NM_001038.6 (MANE Select); coding-DNA position 124, A replaced by G.
Protein change: p.Thr42Ala; replaces threonine 42 with alanine.
Molecular consequence: missense variant.
Genome position (GRCh38, 1-based): chr12:6,374,660, T>C on the plus strand (A>G on the coding strand, the complement: SCNN1A is on the minus strand). VCF-style: chr12-6374660-T-C. GRCh37 (hg19) VCF-style: chr12-6483826-T-C.
Other names: c.124A>G (NM_001038.5); c.193A>G, p.Thr65Ala (NM_001159575.2); c.301A>G, p.Thr101Ala (NM_001159576.2); short protein forms T101A, T65A, T42A.
Identifiers: ClinVar variation 3575151 (VCV003575151.3).

ClinVar aggregate classification (germline): Uncertain significance. Review status: criteria provided, multiple submitters, no conflicts (2 of 4 stars). 2 submissions from 2 submitters: Uncertain significance (2). Last evaluated 2026-06-07.

Conditions:
Pseudohypoaldosteronism, type IB1, autosomal recessive. Also called: PHA I, AUTOSOMAL RECESSIVE; Pseudohypoaldosteronism, Type I, Autosomal Recessive; Pseudohypoaldosteronism, Type I, Recessive; Autosomal recessive pseudohypoaldosteronism type 1. Identifiers: Orphanet 171876, Orphanet 756, MedGen C5774176, MONDO:0009917, OMIM 264350.
Liddle syndrome 3. Identifiers: MedGen C4748292, MONDO:0029132, OMIM 618126.
Bronchiectasis with or without elevated sweat chloride 2 (BESC2). Identifiers: Orphanet 60033, MedGen C2751666, MONDO:0013087, OMIM 613021.

gnomAD v4.1: 30 of 1,613,766 alleles (0.0019%); highest among the groups gnomAD compares: South Asian, 0.031%; no homozygotes.

Submissions (2):

GeneDx
Classification: Uncertain significance. Last evaluated: 2026-06-07. Review status: criteria provided, single submitter. Criteria: GeneDx Variant Classification Process June 2021. Collection method: clinical testing. Allele origin: germline.
Comment: In silico analysis suggests that this missense variant does not alter protein structure/function; Has not been previously published as pathogenic or benign to our knowledge

Fulgent Genetics
Classification: Uncertain significance for Pseudohypoaldosteronism, type IB1, autosomal recessive; Bronchiectasis with or without elevated sweat chloride 2; Liddle syndrome 3. Last evaluated: 2024-02-28. Review status: criteria provided, single submitter. Criteria: ACMG Guidelines, 2015. Collection method: clinical testing. Allele origin: germline.